The following is an entry in ClinVar:

ClinVar aggregate classification (germline): Likely benign. Review status: criteria provided, multiple submitters, no conflicts (2 of 4 stars). 2 submissions from 2 submitters: Likely benign (2). Last evaluated 2026-07-01.

Conditions:
Long QT syndrome 1 (LQT1). Identifiers: Orphanet 101016, Orphanet 768, MedGen C4551647, MONDO:0100316, OMIM 192500, MONDO:0008646.

Submissions (2):

CeGaT Center for Human Genetics Tuebingen
Classification: Likely benign. Last evaluated: 2026-07-01. Review status: criteria provided, single submitter. Criteria: CeGaT Center For Human Genetics Tuebingen Variant Classification Criteria Version 2. Collection method: clinical testing. Allele origin: germline. Affected: yes. Observed: 1 variant allele.
Comment: CALM2: BP4

Labcorp Genetics (formerly Invitae), Labcorp
Classification: Likely benign for Long QT syndrome 1. Last evaluated: 2026-01-27. Review status: criteria provided, single submitter. Criteria: Invitae Variant Classification Sherloc (09022015). Collection method: clinical testing. Allele origin: germline.

NM_001743.6(CALM2):c.35-10_35-7del

Gene: CALM2 (calmodulin 2; minus strand). Cytogenetic location: 2p21.
Variant type: Microsatellite.
Coding change: c.35-10_35-7del on transcript NM_001743.6 (MANE Select); 10 bases into the intron before coding-DNA position 35 through 7 bases into the intron before coding-DNA position 35, 4 bases deleted (TTTC; older notation c.35-10_35-7delTTTC).
Molecular consequence: intron variant.
Genome position (GRCh38, 1-based): chr2:47,162,669-47,162,672, GAAA deleted on the plus strand (TTTC on the coding strand, the reverse complement: CALM2 is on the minus strand); deleting any 4 consecutive bases within chr2:47,162,669-47,162,678 gives the same sequence; the c. name uses the placement nearest the transcript's 3' end. VCF-style (leftmost placement, unchanged base first): chr2-47162668-TGAAA-T. GRCh37 (hg19) VCF-style: chr2-47389807-TGAAA-T.
Other names: c.179-10_179-7del (NM_001305624.1); c.-74-10_-74-7del (NM_001305626.1, NM_001305625.2).
Identifiers: ClinVar variation 1423641 (VCV001423641.9), dbSNP rs757274055, ClinGen allele CA1648600.